The following is an entry in ClinVar:

NM_001122752.2(SERPINI1):c.748G>A (p.Glu250Lys)

Gene: SERPINI1 (serpin family I member 1; plus strand). Cytogenetic location: 3q26.1.
Variant type: single nucleotide variant.
Coding change: c.748G>A on transcript NM_001122752.2 (MANE Select); coding-DNA position 748, G replaced by A.
Protein change: p.Glu250Lys; replaces glutamic acid 250 with lysine.
Molecular consequence: missense variant.
Genome position (GRCh38, 1-based): chr3:167,794,691, G>A. VCF-style: chr3-167794691-G-A. GRCh37 (hg19) VCF-style: chr3-167512479-G-A.
Other names: c.748G>A, p.Glu250Lys (NM_005025.5); short protein forms E250K.
Identifiers: ClinVar variation 2901007 (VCV002901007.3), dbSNP rs754533393, ClinGen allele CA2694882.
Genomic context (GRCh38, chr3:167,794,691, plus strand): 5'-GATGGCTCCAATGAAGCTGGTGGTATCTACCAAGTCCTAGAAATACCATATGAAGGAGAT[G>A]AAATAAGCATGATGCTGGTGCTGTCCAGACAGGAAGTTCCTCTTGCTACTCTGGAGCCAT-3'
Protein context (NP_001116224.1, residues 240-260): QVLEIPYEGD[Glu250Lys]ISMMLVLSRQ

ClinVar aggregate classification (germline): Uncertain significance (1 of 4 stars; one submission).

Conditions:
Familial encephalopathy with neuroserpin inclusion bodies. Also called: ENCEPHALOPATHY, FAMILIAL, WITH COLLINS BODIES. Identifiers: Orphanet 85110, MedGen C1858680, MONDO:0011412, OMIM 604218.

Allele frequency attached by ClinVar (database versions not stated): gnomAD exomes below 0.00001; ExAC 0.00002; TOPMed 0.00002; gnomAD 0.00003.
gnomAD v4.1: 6 of 1,613,592 alleles (0.00037%); highest among the groups gnomAD compares: African/African-American, 0.008%; no homozygotes.

Submission:

Labcorp Genetics (formerly Invitae), Labcorp
Classification: Uncertain significance for Familial encephalopathy with neuroserpin inclusion bodies. Last evaluated: 2023-12-04. Review status: criteria provided, single submitter. Criteria: Invitae Variant Classification Sherloc (09022015). Collection method: clinical testing. Allele origin: germline.
Comment: This sequence change replaces glutamic acid, which is acidic and polar, with lysine, which is basic and polar, at codon 250 of the SERPINI1 protein (p.Glu250Lys). This variant is present in population databases (rs754533393, gnomAD 0.01%). This variant has not been reported in the literature in individuals affected with SERPINI1-related conditions. Advanced modeling of protein sequence and biophysical properties (such as structural, functional, and spatial information, amino acid conservation, physicochemical variation, residue mobility, and thermodynamic stability) performed at Invitae indicates that this missense variant is not expected to disrupt SERPINI1 protein function with a negative predictive value of 80%. In summary, the available evidence is currently insufficient to determine the role of this variant in disease. Therefore, it has been classified as a Variant of Uncertain Significance.